The following is an entry in ClinVar:

NM_152296.5(ATP1A3):c.3011G>T (p.Gly1004Val)

Gene: ATP1A3 (ATPase Na+/K+ transporting subunit alpha 3; minus strand). Cytogenetic location: 19q13.2.
Variant type: single nucleotide variant.
Coding change: c.3011G>T on transcript NM_152296.5 (MANE Select); coding-DNA position 3011, G replaced by T.
Protein change: p.Gly1004Val; replaces glycine 1004 with valine.
Molecular consequence: missense variant.
Genome position (GRCh38, 1-based): chr19:41,967,251, C>A on the plus strand (G>T on the coding strand, the complement: ATP1A3 is on the minus strand). VCF-style: chr19-41967251-C-A. GRCh37 (hg19) VCF-style: chr19-42471403-C-A.
Other names: c.3044G>T, p.Gly1015Val (NM_001256213.2); c.3050G>T, p.Gly1017Val (NM_001256214.2); short protein forms G1004V, G1017V, G1015V.
Identifiers: ClinVar variation 962662 (VCV000962662.9), dbSNP rs782204932, ClinGen allele CA9467228.

ClinVar aggregate classification (germline): Uncertain significance (1 of 4 stars; one submission).

Conditions:
Dystonia 12 (DYT12). Also called: Rapid-Onset Dystonia-Parkinsonism (RDP); DYT-ATP1A3. Identifiers: Orphanet 71517, MedGen C1868681, MONDO:0007496, OMIM 128235.

Allele frequency attached by ClinVar (database versions not stated): gnomAD 0.00002; TOPMed 0.00002.
gnomAD v4.1: 9 of 1,613,950 alleles (0.00056%); highest among the groups gnomAD compares: African/African-American, 0.004%; no homozygotes.

Submission:

Labcorp Genetics (formerly Invitae), Labcorp
Classification: Uncertain significance for Dystonia 12. Last evaluated: 2024-12-28. Review status: criteria provided, single submitter. Criteria: Invitae Variant Classification Sherloc (09022015). Collection method: clinical testing. Allele origin: germline.
Comment: This sequence change replaces glycine, which is neutral and non-polar, with valine, which is neutral and non-polar, at codon 1004 of the ATP1A3 protein (p.Gly1004Val). This variant is present in population databases (rs782204932, gnomAD 0.002%). This variant has not been reported in the literature in individuals affected with ATP1A3-related conditions. ClinVar contains an entry for this variant (Variation ID: 962662). An algorithm developed to predict the effect of missense changes on protein structure and function (PolyPhen-2) suggests that this variant is likely to be disruptive. Algorithms developed to predict the effect of sequence changes on RNA splicing suggest that this variant may create or strengthen a splice site. In summary, the available evidence is currently insufficient to determine the role of this variant in disease. Therefore, it has been classified as a Variant of Uncertain Significance.